The following is an entry in ClinVar:

NM_004329.3(BMPR1A):c.1166+2dup

Gene: BMPR1A (bone morphogenetic protein receptor type 1A; plus strand). Cytogenetic location: 10q23.2.
Variant type: Duplication.
Coding change: c.1166+2dup on transcript NM_004329.3 (MANE Select); the canonical splice donor site of the intron after coding-DNA position 1166, one base duplicated (T; older notation c.1166+2dupT).
Molecular consequence: splice donor variant.
Genome position (GRCh38, 1-based): chr10:86,919,471, T duplicated. VCF-style (leftmost placement, unchanged base first): chr10-86919470-G-GT. GRCh37 (hg19) VCF-style: chr10-88679227-G-GT.
Other names: c.1166+2dup (NM_001406562.1, NM_001406568.1, NM_001406567.1 and 19 more transcripts); c.1214+2dup (NM_001406560.1); c.1241+2dup (NM_001406559.1); c.1160+2dup (NM_001406583.1); c.824+2dup (NM_001406589.1); c.1082+2dup (NM_001406588.1, NM_001406587.1, NM_001406585.1 and 2 more transcripts).
Identifiers: ClinVar variation 2862107 (VCV002862107.3), dbSNP rs2539624194, ClinGen allele CA2739275873.

ClinVar aggregate classification (germline): Uncertain significance (1 of 4 stars; one submission).

Conditions:
Juvenile polyposis syndrome (JPS). Identifiers: Orphanet 2929, MedGen C0345893, MONDO:0017380, OMIM 174900.

Submission:

Labcorp Genetics (formerly Invitae), Labcorp
Classification: Uncertain significance for Juvenile polyposis syndrome. Last evaluated: 2023-05-05. Review status: criteria provided, single submitter. Criteria: Invitae Variant Classification Sherloc (09022015). Collection method: clinical testing. Allele origin: germline.
Comment: This sequence change falls in intron 10 of the BMPR1A gene. It does not directly change the encoded amino acid sequence of the BMPR1A protein. It affects a nucleotide within the consensus splice site. This variant is not present in population databases (gnomAD no frequency). In summary, the available evidence is currently insufficient to determine the role of this variant in disease. Therefore, it has been classified as a Variant of Uncertain Significance. Variants that disrupt the consensus splice site are a relatively common cause of aberrant splicing (PMID: 17576681, 9536098). Algorithms developed to predict the effect of sequence changes on RNA splicing suggest that this variant may disrupt the consensus splice site. This variant has not been reported in the literature in individuals affected with BMPR1A-related conditions.

Literature cited by the submitters: PubMed 17576681; PubMed 9536098.